The following is an entry in ClinVar:

NM_198253.3(TERT):c.962G>T (p.Cys321Phe)

Gene: TERT (telomerase reverse transcriptase; minus strand). Cytogenetic location: 5p15.33.
Variant type: single nucleotide variant.
Coding change: c.962G>T on transcript NM_198253.3 (MANE Select); coding-DNA position 962, G replaced by T.
Protein change: p.Cys321Phe; replaces cysteine 321 with phenylalanine.
Molecular consequence: missense variant. On other transcripts: non-coding transcript variant (2).
Genome position (GRCh38, 1-based): chr5:1,293,924, C>A on the plus strand (G>T on the coding strand, the complement: TERT is on the minus strand). VCF-style: chr5-1293924-C-A. GRCh37 (hg19) VCF-style: chr5-1294039-C-A.
Other names: c.962G>T, p.Cys321Phe (NM_001193376.3, NM_003219.1); short protein forms C321F.
Identifiers: ClinVar variation 3238496 (VCV003238496.1), dbSNP rs150981755.
Genomic context (GRCh38, chr5:1,293,924, plus strand): 5'-AGCTGCTCCTTGTCGCCTGAGGAGTAGAGGAAGTGCTTGGTCTCGGCGTACACCGGGGGA[C>A]AAGGCGTGTCCCAGGGACGTGGTGGCCGCGATGTGGATGGGGGGCCCGCGTGGTGCTGGC-3'
Protein context (NP_937983.2, residues 311-331): SRPPRPWDTP[Cys321Phe]PPVYAETKHF

ClinVar aggregate classification (germline): Uncertain significance (1 of 4 stars; one submission).

Conditions:
Dyskeratosis congenita. Identifiers: Orphanet 1775, MedGen C0265965, MONDO:0015780.

Submission:

Ambry Genetics
Classification: Uncertain significance for Dyskeratosis congenita. Last evaluated: 2023-04-13. Review status: criteria provided, single submitter. Criteria: Ambry Variant Classification Scheme 2023. Collection method: clinical testing. Allele origin: germline.
Comment: The p.C321F variant (also known as c.962G>T), located in coding exon 2 of the TERT gene, results from a G to T substitution at nucleotide position 962. The cysteine at codon 321 is replaced by phenylalanine, an amino acid with highly dissimilar properties. This amino acid position is conserved. In addition, this alteration is predicted to be tolerated by in silico analysis. Since supporting evidence is limited at this time, the clinical significance of this alteration remains unclear.